The following is an entry in ClinVar:

ClinVar aggregate classification (germline): Uncertain significance (1 of 4 stars; one submission).

Conditions:
Muscular dystrophy-dystroglycanopathy (congenital with brain and eye anomalies), type A9. Also called: WALKER-WARBURG SYNDROME OR MUSCLE-EYE BRAIN DISEASE, DAG1-RELATED; Muscular dystrophy-dystroglycanopathy (congenital with brain and eye anomalies), type a, 9. Identifiers: Orphanet 370997, Orphanet 899, MedGen C4225291, MONDO:0014683, OMIM 616538.
Autosomal recessive limb-girdle muscular dystrophy type 2P. Also called: MUSCULAR DYSTROPHY, LIMB-GIRDLE, TYPE 2P; Limb-Girdle Muscular Dystrophy Type 9C; MUSCULAR DYSTROPHY-DYSTROGLYCANOPATHY, LIMB-GIRDLE, DAG1-RELATED. Identifiers: Orphanet 280333, MedGen C4511963, MONDO:0013440, OMIM 613818.

Allele frequency attached by ClinVar (database versions not stated): gnomAD below 0.00001 and 0.00001; ExAC 0.00002.

Submission:

Labcorp Genetics (formerly Invitae), Labcorp
Classification: Uncertain significance for Autosomal recessive limb-girdle muscular dystrophy type 2P; Muscular dystrophy-dystroglycanopathy (congenital with brain and eye anomalies), type A9. Last evaluated: 2023-10-13. Review status: criteria provided, single submitter. Criteria: Invitae Variant Classification Sherloc (09022015). Collection method: clinical testing. Allele origin: germline.
Comment: This sequence change replaces valine, which is neutral and non-polar, with isoleucine, which is neutral and non-polar, at codon 310 of the DAG1 protein (p.Val310Ile). This variant is present in population databases (rs755258174, gnomAD 0.006%). This variant has not been reported in the literature in individuals affected with DAG1-related conditions. ClinVar contains an entry for this variant (Variation ID: 666133). Advanced modeling of protein sequence and biophysical properties (such as structural, functional, and spatial information, amino acid conservation, physicochemical variation, residue mobility, and thermodynamic stability) performed at Invitae indicates that this missense variant is not expected to disrupt DAG1 protein function. In summary, the available evidence is currently insufficient to determine the role of this variant in disease. Therefore, it has been classified as a Variant of Uncertain Significance.

NM_004393.6(DAG1):c.928G>A (p.Val310Ile)

Gene: DAG1 (dystroglycan 1; plus strand). Cytogenetic location: 3p21.31.
Variant type: single nucleotide variant.
Coding change: c.928G>A on transcript NM_004393.6 (MANE Select); coding-DNA position 928, G replaced by A.
Protein change: p.Val310Ile; replaces valine 310 with isoleucine.
Molecular consequence: missense variant.
Genome position (GRCh38, 1-based): chr3:49,531,439, G>A. VCF-style: chr3-49531439-G-A. GRCh37 (hg19) VCF-style: chr3-49568872-G-A.
Other names: c.928G>A, p.Val310Ile (NM_001165928.4, NM_001177634.3, NM_001177635.3 and 9 more transcripts); short protein forms V310I.
Identifiers: ClinVar variation 666133 (VCV000666133.6), dbSNP rs755258174, ClinGen allele CA2398985.